The following is an entry in ClinVar:

NM_021871.4(FGA):c.1300G>C (p.Val434Leu)

Gene: FGA (fibrinogen alpha chain; minus strand). Cytogenetic location: 4q31.3.
Variant type: single nucleotide variant.
Coding change: c.1300G>C on transcript NM_021871.4 (MANE Select); coding-DNA position 1300, G replaced by C.
Protein change: p.Val434Leu; replaces valine 434 with leucine.
Molecular consequence: missense variant.
Genome position (GRCh38, 1-based): chr4:154,586,129, C>G on the plus strand (G>C on the coding strand, the complement: FGA is on the minus strand). VCF-style: chr4-154586129-C-G. GRCh37 (hg19) VCF-style: chr4-155507281-C-G.
Other names: c.1300G>C, p.Val434Leu (NM_000508.5); short protein forms V434L.
Identifiers: ClinVar variation 3336062 (VCV003336062.1).
Genomic context (GRCh38, chr4:154,586,129, plus strand): 5'-TGCTACCAGAGGTGACCTTCTCTTTACCAGTCCTGAGCTCTTTATCTCCTTTAGAAGTGA[C>G]CAGTTTTTCTGTGTGGTACTCTCTCCTTGTCCCTGGACTTACATTTCCTGACACCTCTTC-3'
Protein context (NP_068657.1, residues 424-444): TRREYHTEKL[Val434Leu]TSKGDKELRT

ClinVar aggregate classification (germline): Uncertain significance (1 of 4 stars; one submission).

gnomAD v4.1: 11 of 1,614,014 alleles (0.00068%); highest among the groups gnomAD compares: African/African-American, 0.0013%; no homozygotes.

Submission:

Women's Health and Genetics/Laboratory Corporation of America, LabCorp
Classification: Uncertain significance. Last evaluated: 2024-05-30. Review status: criteria provided, single submitter. Criteria: LabCorp Variant Classification Summary - May 2015. Collection method: clinical testing. Allele origin: germline.
Comment: Variant summary: FGA c.1300G>C (p.Val434Leu) results in a conservative amino acid change in the encoded protein sequence. Five of five in-silico tools predict a benign effect of the variant on protein function. The variant was absent in 251284 control chromosomes. The available data on variant occurrences in the general population are insufficient to allow any conclusion about variant significance. To our knowledge, no occurrence of c.1300G>C in individuals affected with Dysfibrinogenemia, Congenital and no experimental evidence demonstrating its impact on protein function have been reported. No submitters have cited clinical-significance assessments for this variant to ClinVar. Based on the evidence outlined above, the variant was classified as uncertain significance.